The following is an entry in ClinVar:

ClinVar aggregate classification (germline): Uncertain significance. Review status: criteria provided, multiple submitters, no conflicts (2 of 4 stars). 2 submissions from 2 submitters: Uncertain significance (2). Last evaluated 2025-08-31.

Conditions:
Mosaic variegated aneuploidy syndrome 1 (MVA1). Also called: Warburton-Anyane-Yeboa syndrome. Identifiers: Orphanet 1052, MedGen C1850343, MONDO:0009759, OMIM 257300.

Allele frequency attached by ClinVar (database versions not stated): gnomAD 0.00003 and 0.00004; TOPMed 0.00003; ExAC 0.00005; gnomAD exomes 0.00005 and 0.00009; ESP Exome Variant Server 0.00008.
gnomAD v4.1: 141 of 1,614,016 alleles (0.0087%); highest among the groups gnomAD compares: Non-Finnish European, 0.011%; no homozygotes.

Submissions (2):

Labcorp Genetics (formerly Invitae), Labcorp
Classification: Uncertain significance for Mosaic variegated aneuploidy syndrome 1. Last evaluated: 2025-08-31. Review status: criteria provided, single submitter. Criteria: Invitae Variant Classification Sherloc (09022015). Collection method: clinical testing. Allele origin: germline.
Comment: This sequence change replaces arginine, which is basic and polar, with glutamine, which is neutral and polar, at codon 999 of the BUB1B protein (p.Arg999Gln). This variant is present in population databases (rs377612791, gnomAD 0.01%). This variant has not been reported in the literature in individuals affected with BUB1B-related conditions. ClinVar contains an entry for this variant (Variation ID: 465377). An algorithm developed to predict the effect of missense changes on protein structure and function outputs the following: PolyPhen-2: "Benign". The glutamine amino acid residue is found in multiple mammalian species, which suggests that this missense change does not adversely affect protein function. Algorithms developed to predict the effect of sequence changes on RNA splicing suggest that this variant may disrupt the consensus splice site. In summary, the available evidence is currently insufficient to determine the role of this variant in disease. Therefore, it has been classified as a Variant of Uncertain Significance.

St. Jude Molecular Pathology, St. Jude Children's Research Hospital
Classification: Uncertain significance for Mosaic variegated aneuploidy syndrome 1. Last evaluated: 2024-05-12. Review status: criteria provided, single submitter. Criteria: St. Jude Assertion Criteria 2020. Collection method: clinical testing. Allele origin: germline.
Comment: The BUB1B c.2996G>A (p.Arg999Gln) missense change has a maximum subpopulation frequency of 0.01% in gnomAD v2.1.1. The in silico tool REVEL predicts a benign effect on protein function, but to our knowledge this prediction has not been confirmed by functional studies. To our knowledge, this variant has not been reported in individuals with mosaic variegated aneuploidy syndrome. In summary, the evidence currently available is insufficient to determine the role of this variant in mosaic variegated aneuploidy syndrome. It has therefore been classified as of uncertain significance.

NM_001211.6(BUB1B):c.2996G>A (p.Arg999Gln)

Genes: BUB1B (BUB1 mitotic checkpoint serine/threonine kinase B; plus strand), BUB1B-PAK6 (BUB1B-PAK6 readthrough; plus strand). Cytogenetic location: 15q15.1.
Variant type: single nucleotide variant.
Coding change: c.2996G>A on transcript NM_001211.6 (MANE Select); coding-DNA position 2996, G replaced by A.
Protein change: p.Arg999Gln; replaces arginine 999 with glutamine.
Molecular consequence: missense variant. On other transcripts: intron variant (2).
Genome position (GRCh38, 1-based): chr15:40,220,602, G>A. VCF-style: chr15-40220602-G-A. GRCh37 (hg19) VCF-style: chr15-40512803-G-A.
Other names: c.-201+2935G>A (NM_001128628.3); c.-118+2935G>A (NM_001128629.3); short protein forms R999Q.
Identifiers: ClinVar variation 465377 (VCV000465377.10), dbSNP rs377612791, ClinGen allele CA7476180.